The following is an entry in ClinVar:

ClinVar aggregate classification (germline): Likely benign (1 of 4 stars; one submission).

Conditions:
SETX-related disorder. Also called: SETX-related disorders; SETX-related condition. Identifiers: MedGen CN239403.

gnomAD v4.1: 7 of 1,613,998 alleles (0.00043%); highest among the groups gnomAD compares: Non-Finnish European, 0.00059%; no homozygotes.

Submission:

PreventionGenetics, part of Exact Sciences
Classification: Likely benign for SETX-related condition. Last evaluated: 2026-05-08. Review status: criteria provided, single submitter. Criteria: ACMG Guidelines, 2015. Collection method: clinical testing. Allele origin: germline.
Comment: This variant is classified as likely benign based on ACMG/AMP sequence variant interpretation guidelines (Richards et al. 2015 PMID: 25741868, with internal and published modifications).

NM_015046.7(SETX):c.3492A>T (p.Arg1164=)

Gene: SETX (senataxin; minus strand). Cytogenetic location: 9q34.13.
Variant type: single nucleotide variant.
Coding change: c.3492A>T on transcript NM_015046.7 (MANE Select); coding-DNA position 3492, A replaced by T.
Protein change: p.Arg1164=; no amino-acid change (arginine 1164 retained).
Molecular consequence: synonymous variant.
Genome position (GRCh38, 1-based): chr9:132,328,106, T>A on the plus strand (A>T on the coding strand, the complement: SETX is on the minus strand). VCF-style: chr9-132328106-T-A. GRCh37 (hg19) VCF-style: chr9-135203493-T-A.
Other names: c.3492A>T, p.Arg1164= (NM_001351527.2, NM_001351528.2).
Identifiers: ClinVar variation 4983545 (VCV004983545.1).